The following is an entry in ClinVar:

ClinVar aggregate classification (germline): Uncertain significance (1 of 4 stars; one submission).

Conditions:
Inborn genetic diseases. Identifiers: MedGen C0950123, MeSH D030342.

gnomAD v4.1: 6 of 1,613,512 alleles (0.00037%); highest among the groups gnomAD compares: South Asian, 0.0011%; no homozygotes.

Submission:

Ambry Genetics
Classification: Uncertain significance for Inborn genetic diseases. Last evaluated: 2025-09-25. Review status: criteria provided, single submitter. Criteria: Ambry Variant Classification Scheme 2023. Collection method: clinical testing. Allele origin: germline.
Comment: The c.1300C>T (p.H434Y) alteration is located in exon 10 (coding exon 10) of the RORB gene. This alteration results from a C to T substitution at nucleotide position 1300, causing the histidine (H) at amino acid position 434 to be replaced by a tyrosine (Y). Based on data from gnomAD, the T allele has an overall frequency of <0.001% (1/250842) total alleles studied. The highest observed frequency was 0.003% (1/30604) of South Asian alleles. Based on insufficient or conflicting evidence, the clinical significance of this alteration remains unclear.

NM_006914.4(RORB):c.1300C>T (p.His434Tyr)

Genes: RORB (RAR related orphan receptor B; plus strand), LOC124310566 (Sharpr-MPRA regulatory region 9792; plus strand). Cytogenetic location: 9q21.13.
Variant type: single nucleotide variant.
Coding change: c.1300C>T on transcript NM_006914.4 (MANE Select); coding-DNA position 1300, C replaced by T.
Protein change: p.His434Tyr; replaces histidine 434 with tyrosine.
Molecular consequence: missense variant.
Genome position (GRCh38, 1-based): chr9:74,685,538, C>T. VCF-style: chr9-74685538-C-T. GRCh37 (hg19) VCF-style: chr9-77300454-C-T.
Other names: c.1333C>T, p.His445Tyr (NM_001365023.1); short protein forms H434Y, H445Y.
Identifiers: ClinVar variation 4629321 (VCV004629321.1).
Genomic context (GRCh38, chr9:74,685,538, plus strand): 5'-CCAACCATCACGGCAGTTTGCAACTTGCACGGGGAGAAGCTGCAGGTATTTAAGCAATCT[C>T]ATCCAGAGATAGTGAATACACTGTTTCCTCCGTTATACAAGGAGCTCTTTAATCCTGACT-3'
Protein context (NP_008845.2, residues 424-444): GEKLQVFKQS[His434Tyr]PEIVNTLFPP